The following is an entry in ClinVar:

ClinVar aggregate classification (germline): Likely benign (1 of 4 stars; one submission).

Submission:

CeGaT Center for Human Genetics Tuebingen
Classification: Likely benign. Last evaluated: 2025-11-01. Review status: criteria provided, single submitter. Criteria: CeGaT Center For Human Genetics Tuebingen Variant Classification Criteria Version 2. Collection method: clinical testing. Allele origin: germline. Affected: yes. Observed: 1 variant allele.
Comment: PLXNA1: PM2:Supporting, BP4, BP7

NM_032242.4(PLXNA1):c.2806C>T (p.Leu936=)

Gene: PLXNA1 (plexin A1; plus strand). Cytogenetic location: 3q21.3.
Variant type: single nucleotide variant.
Coding change: c.2806C>T on transcript NM_032242.4 (MANE Select); coding-DNA position 2806, C replaced by T.
Protein change: p.Leu936=; no amino-acid change (leucine 936 retained).
Molecular consequence: synonymous variant.
Genome position (GRCh38, 1-based): chr3:127,014,760, C>T. VCF-style: chr3-127014760-C-T. GRCh37 (hg19) VCF-style: chr3-126733603-C-T.
Identifiers: ClinVar variation 4534393 (VCV004534393.6).